The following is an entry in ClinVar:

ClinVar aggregate classification (germline): Uncertain significance (1 of 4 stars; one submission).

Allele frequency attached by ClinVar (database versions not stated): gnomAD exomes below 0.00001; gnomAD 0.00001; TOPMed 0.00002.
gnomAD v4.1: 9 of 1,605,634 alleles (0.00056%); highest among the groups gnomAD compares: South Asian, 0.0033%; no homozygotes.

Submission:

Ambry Genetics
Classification: Uncertain significance. Last evaluated: 2024-01-19. Review status: criteria provided, single submitter. Criteria: Ambry Variant Classification Scheme 2023. Collection method: clinical testing. Allele origin: germline.
Comment: The p.M316V variant (also known as c.946A>G), located in coding exon 6 of the POLQ gene, results from an A to G substitution at nucleotide position 946. The methionine at codon 316 is replaced by valine, an amino acid with highly similar properties. This amino acid position is conserved. In addition, this alteration is predicted to be tolerated by in silico analysis. Since supporting evidence is limited at this time, the clinical significance of this alteration remains unclear.

NM_199420.4(POLQ):c.946A>G (p.Met316Val)

Gene: POLQ (DNA polymerase theta; minus strand). Cytogenetic location: 3q13.33.
Variant type: single nucleotide variant.
Coding change: c.946A>G on transcript NM_199420.4 (MANE Select); coding-DNA position 946, A replaced by G.
Protein change: p.Met316Val; replaces methionine 316 with valine.
Molecular consequence: missense variant.
Genome position (GRCh38, 1-based): chr3:121,533,004, T>C on the plus strand (A>G on the coding strand, the complement: POLQ is on the minus strand). VCF-style: chr3-121533004-T-C. GRCh37 (hg19) VCF-style: chr3-121251851-T-C.
Other names: short protein forms M316V.
Identifiers: ClinVar variation 1767050 (VCV001767050.2), dbSNP rs2048422294, ClinGen allele CA354125783.